The following is an entry in ClinVar:

ClinVar aggregate classification (germline): Likely pathogenic (1 of 4 stars; one submission).

Conditions:
Epilepsy, familial focal, with variable foci 3 (FFEVF3). Identifiers: MedGen C4310708, MONDO:0014925, OMIM 617118.

Submission:

Dasa
Classification: Likely pathogenic for Epilepsy, familial focal, with variable foci 3. Last evaluated: 2026-02-20. Review status: criteria provided, single submitter. Criteria: DASA Assertion Criteria. Collection method: clinical testing. Allele origin: germline.
Comment: NM_001077350.3(NPRL3):c.1329_1330insAG (p.Ala444Argfs*14) is a frameshift variant in NPRL3 predicted to alter the reading frame and introduce a premature termination codon and is predicted to result in an absent or altered protein product. Loss of function is an established disease mechanism for NPRL3 (PMID: 26285051; PMID: 34868250; PMID: 31111464). Also, this variant is absent from population databases. Based on the currently available evidence, this variant is classified as likely pathogenic.

Literature cited by the submitters: PubMed 26285051; PubMed 34868250; PubMed 31111464.

NM_001077350.3(NPRL3):c.1329_1330insAG (p.Ala444fs)

Genes: HBA-LCR (alpha-globin locus control region; plus strand), NPRL3 (NPR3 like, GATOR1 complex subunit; minus strand). Cytogenetic location: 16p13.3.
Variant type: Insertion.
Coding change: c.1329_1330insAG on transcript NM_001077350.3 (MANE Select); coding-DNA positions 1329 to 1330, AG inserted.
Protein change: p.Ala444fs; shifts the reading frame from alanine 444.
Molecular consequence: frameshift variant.
Genome position: GRCh38 VCF-style: chr16-89734-C-CCT. GRCh37 (hg19) VCF-style: chr16-139732-C-CCT.
Other names: c.792_793insAG, p.Ala265fs (NM_001039476.3); c.1095_1096insAG, p.Ala366fs (NM_001243247.2); c.1254_1255insAG, p.Ala419fs (NM_001243248.2, NM_001243249.2); short protein forms A265fs, A366fs, A419fs, A444fs.
Identifiers: ClinVar variation 4880620 (VCV004880620.2).